The following is an entry in ClinVar:

ClinVar aggregate classification (germline): Uncertain significance (1 of 4 stars; one submission).

Submission:

Ambry Genetics
Classification: Uncertain significance. Last evaluated: 2021-05-04. Review status: criteria provided, single submitter. Criteria: Ambry Variant Classification Scheme 2023. Collection method: clinical testing. Allele origin: germline.
Comment: The p.L1102V variant (also known as c.3304C>G), located in coding exon 30 of the IKBKAP gene, results from a C to G substitution at nucleotide position 3304. The leucine at codon 1102 is replaced by valine, an amino acid with highly similar properties. This amino acid position is not well conserved in available vertebrate species. In addition, this alteration is predicted to be tolerated by in silico analysis. Since supporting evidence is limited at this time, the clinical significance of this alteration remains unclear.

NM_003640.5(ELP1):c.3304C>G (p.Leu1102Val)

Gene: ELP1 (elongator acetyltransferase complex subunit 1; minus strand). Cytogenetic location: 9q31.3.
Variant type: single nucleotide variant.
Coding change: c.3304C>G on transcript NM_003640.5 (MANE Select); coding-DNA position 3304, C replaced by G.
Protein change: p.Leu1102Val; replaces leucine 1102 with valine.
Molecular consequence: missense variant.
Genome position (GRCh38, 1-based): chr9:108,881,747, G>C on the plus strand (C>G on the coding strand, the complement: ELP1 is on the minus strand). VCF-style: chr9-108881747-G-C. GRCh37 (hg19) VCF-style: chr9-111644027-G-C.
Other names: c.2962C>G, p.Leu988Val (NM_001318360.2); c.2257C>G, p.Leu753Val (NM_001330749.2); short protein forms L1102V, L753V, L988V.
Identifiers: ClinVar variation 1799845 (VCV001799845.2), dbSNP rs2118946145, ClinGen allele CA374413235.